The following is an entry in ClinVar:

ClinVar aggregate classification (germline): Conflicting classifications of pathogenicity. Review status: criteria provided, conflicting classifications (1 of 4 stars). 2 submissions from 2 submitters: Likely pathogenic (1); Uncertain significance (1). Last evaluated 2025-03-18.

Conditions:
Metaphyseal chondrodysplasia, McKusick type (CHH). Also called: Cartilage-hair hypoplasia; Cartilage-Hair Hypoplasia (CHH). Identifiers: Orphanet 175, MedGen C0220748, MONDO:0009595, OMIM 250250.
Anauxetic dysplasia. Identifiers: Orphanet 93347, MedGen C1846796, MONDO:0011773.

Submissions (2):

Labcorp Genetics (formerly Invitae), Labcorp
Classification: Likely pathogenic for Anauxetic dysplasia. Last evaluated: 2025-03-18. Review status: criteria provided, single submitter. Criteria: Invitae Variant Classification Sherloc (09022015). Collection method: clinical testing. Allele origin: germline.
Comment: This variant occurs in the RMRP gene, which encodes an RNA molecule that does not result in a protein product. This variant is not present in population databases (gnomAD no frequency). While this particular variant has not been reported in the literature, it is located in the promoter region between the TATA box and the transcription initiation site, and other insertions and duplications immediately upstream of the coding sequence have been reported in individuals affected with cartilage-hair hypoplasia-anauxetic dysplasia (CHH-AD) spectrum disorders (PMID: 16244706, 11207361, 12107819). While functional studies for this variant have not been reported, experimental analyses using patient derived cells, as well as in vitro transfection studies, have shown that promoter insertions result in silencing of RMRP transcription and reduced expression of the gene product (PMID: 11207361, 16254002). In summary, the currently available evidence indicates that the variant is pathogenic, but additional data are needed to prove that conclusively. Therefore, this variant has been classified as Likely Pathogenic.

3billion
Classification: Uncertain significance for Metaphyseal chondrodysplasia, McKusick type. Last evaluated: 2022-03-22. Review status: criteria provided, single submitter. Criteria: ACMG Guidelines, 2015. Collection method: clinical testing. Allele origin: germline. Affected: yes. Observed: 1 heterozygote.
Comment: This variant has been reported as likely pathogenic (ClinVar ID: VCV000965369), although there was no evidence from an independent evaluation at the laboratory level. It is not observed in the gnomAD v2.1.1 dataset. Therefore, this variant is classified as uncertain significance according to the recommendation of ACMG/AMP guideline.

Literature cited by the submitters: PubMed 16244706 (cited by Labcorp Genetics (formerly Invitae), Labcorp); PubMed 11207361 (cited by Labcorp Genetics (formerly Invitae), Labcorp); PubMed 12107819 (cited by Labcorp Genetics (formerly Invitae), Labcorp); PubMed 16254002 (cited by Labcorp Genetics (formerly Invitae), Labcorp).

NR_003051.3(RMRP):n.5_6insTACTCTGTGAAGCTGAGGACGTGGTTC

Gene: RMRP (RNA component of mitochondrial RNA processing endoribonuclease; minus strand). Cytogenetic location: 9p13.3.
Variant type: Duplication.
Genome position: GRCh38 VCF-style: chr9-35658013-C-CGAACCACGTCCTCAGCTTCACAGAGTA. GRCh37 (hg19) VCF-style: chr9-35658010-C-CGAACCACGTCCTCAGCTTCACAGAGTA.
Identifiers: ClinVar variation 965369 (VCV000965369.10), dbSNP rs1554651349, ClinGen allele CA1139660923.